The following is an entry in ClinVar:

ClinVar aggregate classification (germline): Uncertain significance. Review status: criteria provided, multiple submitters, no conflicts (2 of 4 stars). 2 submissions from 2 submitters: Uncertain significance (2). Last evaluated 2024-06-21.

Allele frequency attached by ClinVar (database versions not stated): gnomAD exomes below 0.00001; TOPMed 0.00001.

Submissions (2):

Blueprint Genetics
Classification: Uncertain significance. Last evaluated: 2024-06-21. Review status: criteria provided, single submitter. Criteria: ACMG Guidelines, 2015. Collection method: clinical testing. Allele origin: germline.

Labcorp Genetics (formerly Invitae), Labcorp
Classification: Uncertain significance. Last evaluated: 2023-05-09. Review status: criteria provided, single submitter. Criteria: Invitae Variant Classification Sherloc (09022015). Collection method: clinical testing. Allele origin: germline.
Comment: This sequence change replaces serine, which is neutral and polar, with arginine, which is basic and polar, at codon 309 of the IRF4 protein (p.Ser309Arg). This variant is not present in population databases (gnomAD no frequency). In summary, the available evidence is currently insufficient to determine the role of this variant in disease. Therefore, it has been classified as a Variant of Uncertain Significance. An algorithm developed to predict the effect of missense changes on protein structure and function (PolyPhen-2) suggests that this variant is likely to be disruptive. This variant has not been reported in the literature in individuals affected with IRF4-related conditions.

NM_002460.4(IRF4):c.927C>A (p.Ser309Arg)

Gene: IRF4 (interferon regulatory factor 4; plus strand). Cytogenetic location: 6p25.3.
Variant type: single nucleotide variant.
Coding change: c.927C>A on transcript NM_002460.4 (MANE Select); coding-DNA position 927, C replaced by A.
Protein change: p.Ser309Arg; replaces serine 309 with arginine.
Molecular consequence: missense variant. On other transcripts: non-coding transcript variant (1).
Genome position (GRCh38, 1-based): chr6:401,605, C>A. VCF-style: chr6-401605-C-A. GRCh37 (hg19) VCF-style: chr6-401605-C-A.
Other names: c.924C>A, p.Ser308Arg (NM_001195286.2); short protein forms S308R, S309R.
Identifiers: ClinVar variation 3023964 (VCV003023964.4), dbSNP rs1302019454, ClinGen allele CA362549033.